The following is an entry in ClinVar:

ClinVar aggregate classification (germline): Uncertain significance. Review status: criteria provided, multiple submitters, no conflicts (2 of 4 stars). 2 submissions from 2 submitters: Uncertain significance (2). Last evaluated 2022-11-08.

Conditions:
Familial sleep-related hypermotor epilepsy. Also called: Autosomal Dominant Sleep-Related Hypermotor (Hyperkinetic) Epilepsy. Identifiers: Orphanet 98784, MedGen C3696898, MONDO:0000030.

Allele frequency attached by ClinVar (database versions not stated): gnomAD 0.00001; TOPMed below 0.00001.

Submissions (2):

GeneDx
Classification: Uncertain significance. Last evaluated: 2022-11-08. Review status: criteria provided, single submitter. Criteria: GeneDx Variant Classification Process June 2021. Collection method: clinical testing. Allele origin: germline. Affected: yes.
Comment: Not observed at significant frequency in large population cohorts (gnomAD); In silico analysis supports that this missense variant has a deleterious effect on protein structure/function; Has not been previously published as pathogenic or benign to our knowledge

Labcorp Genetics (formerly Invitae), Labcorp
Classification: Uncertain significance. Last evaluated: 2022-03-08. Review status: criteria provided, single submitter. Criteria: Invitae Variant Classification Sherloc (09022015). Collection method: clinical testing. Allele origin: germline.
Comment: ClinVar contains an entry for this variant (Variation ID: 860746). This variant has not been reported in the literature in individuals affected with CHRNA4-related conditions. The frequency data for this variant in the population databases is considered unreliable, as metrics indicate poor data quality at this position in the gnomAD database. This sequence change replaces cysteine, which is neutral and slightly polar, with glycine, which is neutral and non-polar, at codon 225 of the CHRNA4 protein (p.Cys225Gly). Algorithms developed to predict the effect of missense changes on protein structure and function are either unavailable or do not agree on the potential impact of this missense change (SIFT: "Deleterious"; PolyPhen-2: "Probably Damaging"; Align-GVGD: "Class C0"). In summary, the available evidence is currently insufficient to determine the role of this variant in disease. Therefore, it has been classified as a Variant of Uncertain Significance.

NM_000744.7(CHRNA4):c.673T>G (p.Cys225Gly)

Gene: CHRNA4 (cholinergic receptor nicotinic alpha 4 subunit; minus strand). Cytogenetic location: 20q13.33.
Variant type: single nucleotide variant.
Coding change: c.673T>G on transcript NM_000744.7 (MANE Select); coding-DNA position 673, T replaced by G.
Protein change: p.Cys225Gly; replaces cysteine 225 with glycine.
Molecular consequence: missense variant. On other transcripts: non-coding transcript variant (1).
Genome position (GRCh38, 1-based): chr20:63,350,738, A>C on the plus strand (T>G on the coding strand, the complement: CHRNA4 is on the minus strand). VCF-style: chr20-63350738-A-C. GRCh37 (hg19) VCF-style: chr20-61982090-A-C.
Other names: c.145T>G, p.Cys49Gly (NM_001256573.2); c.673T>G (NM_000744.5); short protein forms C49G, C225G.
Identifiers: ClinVar variation 860746 (VCV000860746.10), dbSNP rs1263987235, ClinGen allele CA409637210.